The following is an entry in ClinVar:

NM_001270891.2(TRAPPC6A):c.91A>G (p.Lys31Glu)

Gene: TRAPPC6A (trafficking protein particle complex subunit 6A; minus strand). Cytogenetic location: 19q13.32.
Variant type: single nucleotide variant.
Coding change: c.91A>G on transcript NM_001270891.2 (MANE Select); coding-DNA position 91, A replaced by G.
Protein change: p.Lys31Glu; replaces lysine 31 with glutamic acid.
Molecular consequence: missense variant. On other transcripts: intron variant (2).
Genome position (GRCh38, 1-based): chr19:45,165,188, T>C on the plus strand (A>G on the coding strand, the complement: TRAPPC6A is on the minus strand). VCF-style: chr19-45165188-T-C. GRCh37 (hg19) VCF-style: chr19-45668446-T-C.
Other names: c.133A>G, p.Lys45Glu (NM_024108.3); c.85-218A>G (NM_001270893.2); c.127-218A>G (NM_001270892.2); short protein forms K31E, K45E.
Identifiers: ClinVar variation 3056542 (VCV003056542.2), dbSNP rs145458791, ClinGen allele CA9510102.

ClinVar aggregate classification (germline): Likely benign (0 of 4 stars; one submission).

Conditions:
TRAPPC6A-related disorder. Also called: TRAPPC6A-related condition.

Allele frequency attached by ClinVar (database versions not stated): gnomAD exomes 0.00009; ExAC 0.00042; 1000 Genomes Project 30x 0.00094; 1000 Genomes Project 0.00100; gnomAD 0.00118; TOPMed 0.00153; ESP Exome Variant Server 0.00154.
gnomAD v4.1: 325 of 1,602,732 alleles (0.02%); highest among the groups gnomAD compares: African/African-American, 0.35%; 3 homozygotes.

Submission:

PreventionGenetics, part of Exact Sciences
Classification: Likely benign for TRAPPC6A-related condition. Last evaluated: 2022-07-25. Review status: no assertion criteria provided. Collection method: clinical testing. Allele origin: germline.
Comment: This variant is classified as likely benign based on ACMG/AMP sequence variant interpretation guidelines (Richards et al. 2015 PMID: 25741868, with internal and published modifications).